The following is an entry in ClinVar:

NM_001060.6(TBXA2R):c.13G>A (p.Gly5Ser)

Gene: TBXA2R (thromboxane A2 receptor; minus strand). Cytogenetic location: 19p13.3.
Variant type: single nucleotide variant.
Coding change: c.13G>A on transcript NM_001060.6 (MANE Select); coding-DNA position 13, G replaced by A.
Protein change: p.Gly5Ser; replaces glycine 5 with serine.
Molecular consequence: missense variant.
Genome position (GRCh38, 1-based): chr19:3,600,622, C>T on the plus strand (G>A on the coding strand, the complement: TBXA2R is on the minus strand). VCF-style: chr19-3600622-C-T. GRCh37 (hg19) VCF-style: chr19-3600620-C-T.
Other names: c.13G>A, p.Gly5Ser (NM_201636.3); short protein forms G5S.
Identifiers: ClinVar variation 4632829 (VCV004632829.2).

ClinVar aggregate classification (germline): Uncertain significance. Review status: criteria provided, multiple submitters, no conflicts (2 of 4 stars). 2 submissions from 2 submitters: Uncertain significance (2). Last evaluated 2025-11-08.

Conditions:
Inborn genetic diseases. Identifiers: MedGen C0950123, MeSH D030342.

Submissions (2):

Ambry Genetics
Classification: Uncertain significance for Inborn genetic diseases. Last evaluated: 2025-11-08. Review status: criteria provided, single submitter. Criteria: Ambry Variant Classification Scheme 2023. Collection method: clinical testing. Allele origin: germline.

Labcorp Genetics (formerly Invitae), Labcorp
Classification: Uncertain significance. Last evaluated: 2025-06-02. Review status: criteria provided, single submitter. Criteria: Invitae Variant Classification Sherloc (09022015). Collection method: clinical testing. Allele origin: germline.
Comment: This sequence change replaces glycine, which is neutral and non-polar, with serine, which is neutral and polar, at codon 5 of the TBXA2R protein (p.Gly5Ser). This variant is not present in population databases (gnomAD no frequency). This variant has not been reported in the literature in individuals affected with TBXA2R-related conditions. An algorithm developed to predict the effect of missense changes on protein structure and function outputs the following: PolyPhen-2: "Benign". The serine amino acid residue is found in multiple mammalian species, which suggests that this missense change does not adversely affect protein function. In summary, the available evidence is currently insufficient to determine the role of this variant in disease. Therefore, it has been classified as a Variant of Uncertain Significance.